The following is an entry in ClinVar:

NM_001256627.2(BRSK2):c.581G>A (p.Gly194Asp)

Gene: BRSK2 (BR serine/threonine kinase 2; plus strand). Cytogenetic location: 11p15.5.
Variant type: single nucleotide variant.
Coding change: c.581G>A on transcript NM_001256627.2 (MANE Select); coding-DNA position 581, G replaced by A.
Protein change: p.Gly194Asp; replaces glycine 194 with aspartic acid.
Molecular consequence: missense variant. On other transcripts: non-coding transcript variant (1).
Genome position (GRCh38, 1-based): chr11:1,443,351, G>A. VCF-style: chr11-1443351-G-A. GRCh37 (hg19) VCF-style: chr11-1464581-G-A.
Other names: c.581G>A, p.Gly194Asp (NM_001440670.1, NM_003957.4, NM_001256629.2 and 3 more transcripts); c.401G>A, p.Gly134Asp (NM_001440671.1, NM_001440672.1, NM_001440673.1 and 5 more transcripts); c.719G>A, p.Gly240Asp (NM_001256630.1, NM_001440667.1); short protein forms G134D, G194D, G240D.
Identifiers: ClinVar variation 4849550 (VCV004849550.1).

ClinVar aggregate classification (germline): Uncertain significance (1 of 4 stars; one submission).

Conditions:
Autosomal dominant non-syndromic intellectual disability. Identifiers: Orphanet 178469, MedGen C5680502, MONDO:0015802.

Submission:

Department of Human Genetics, University Hospital Bern, Inselspital
Classification: Uncertain significance for Autosomal dominant non-syndromic intellectual disability. Last evaluated: 2026-05-03. Review status: criteria provided, single submitter. Criteria: ACMG Guidelines, 2015. Collection method: clinical testing. Allele origin: de novo. Affected: yes.
Comment: The missense variant affects a highly conserved amino acid in the important kinase domain and is predicted to have a damaging effect by AlphaMissense and PrimateAI-3D. Functional assays in Drosophila indicated a loss-of-function effect. The variant has been shown to have occurred de novo and is absent from gnomAD v4.1.0. In summary, criteria PS3_Moderate, PS2_Supporting, PM2_Supporting, and PP3_Supporting were used.

Literature cited by the submitters: PubMed 42509346.